The following is an entry in ClinVar:

NM_000043.6(FAS):c.251C>T (p.Pro84Leu)

Gene: FAS (Fas cell surface death receptor; plus strand). Cytogenetic location: 10q23.31.
Variant type: single nucleotide variant.
Coding change: c.251C>T on transcript NM_000043.6 (MANE Select); coding-DNA position 251, C replaced by T.
Protein change: p.Pro84Leu; replaces proline 84 with leucine.
Molecular consequence: missense variant. On other transcripts: non-coding transcript variant (4).
Genome position (GRCh38, 1-based): chr10:89,007,754, C>T. VCF-style: chr10-89007754-C-T. GRCh37 (hg19) VCF-style: chr10-90767511-C-T.
Other names: c.251C>T, p.Pro84Leu (NM_001320619.2, NM_152871.4, NM_152872.4); short protein forms P84L.
Identifiers: ClinVar variation 879504 (VCV000879504.13), dbSNP rs778483787, ClinGen allele CA5593073.

ClinVar aggregate classification (germline): Conflicting classifications of pathogenicity. Review status: criteria provided, conflicting classifications (1 of 4 stars). 4 submissions from 4 submitters: Uncertain significance (3); Likely benign (1). Last evaluated 2025-06-17.

Conditions:
Inborn genetic diseases. Identifiers: MedGen C0950123, MeSH D030342.
Autoimmune lymphoproliferative syndrome type 1. Also called: AUTOIMMUNE LYMPHOPROLIFERATIVE SYNDROME, TYPE I, AUTOSOMAL DOMINANT. Identifiers: Orphanet 3261, MedGen C2717884, MONDO:0011158, OMIM 601859.

Allele frequency attached by ClinVar (database versions not stated): gnomAD exomes 0.00001 and 0.00002; ExAC 0.00002; gnomAD 0.00007 and 0.00009; TOPMed 0.00013.
gnomAD v4.1: 34 of 1,613,862 alleles (0.0021%); highest among the groups gnomAD compares: African/African-American, 0.036%; no homozygotes.

Submissions (4):

Labcorp Genetics (formerly Invitae), Labcorp
Classification: Uncertain significance for Autoimmune lymphoproliferative syndrome. Last evaluated: 2025-06-17. Review status: criteria provided, single submitter. Criteria: Invitae Variant Classification Sherloc (09022015). Collection method: clinical testing. Allele origin: germline.
Comment: This sequence change replaces proline, which is neutral and non-polar, with leucine, which is neutral and non-polar, at codon 84 of the FAS protein (p.Pro84Leu). This variant is present in population databases (rs778483787, gnomAD 0.03%). This variant has not been reported in the literature in individuals affected with FAS-related conditions. ClinVar contains an entry for this variant (Variation ID: 879504). An algorithm developed to predict the effect of missense changes on protein structure and function outputs the following: PolyPhen-2: "Benign". The leucine amino acid residue is found in multiple mammalian species, which suggests that this missense change does not adversely affect protein function. In summary, the available evidence is currently insufficient to determine the role of this variant in disease. Therefore, it has been classified as a Variant of Uncertain Significance.

Ambry Genetics
Classification: Uncertain significance for Inborn genetic diseases. Last evaluated: 2024-10-06. Review status: criteria provided, single submitter. Criteria: Ambry Variant Classification Scheme 2023. Collection method: clinical testing. Allele origin: germline.

Blueprint Genetics
Classification: Likely benign. Last evaluated: 2023-11-20. Review status: criteria provided, single submitter. Criteria: ACMG Guidelines, 2015. Collection method: clinical testing. Allele origin: germline.

Illumina Laboratory Services, Illumina
Classification: Uncertain significance for Autoimmune lymphoproliferative syndrome type 1. Last evaluated: 2017-04-27. Review status: criteria provided, single submitter. Criteria: ICSL Variant Classification Criteria 13 December 2019. Collection method: clinical testing. Allele origin: germline.